The following is an entry in ClinVar:

ClinVar aggregate classification (germline): Likely benign (0 of 4 stars; one submission).

Conditions:
PCNT-related disorder. Also called: PCNT-related condition.

Allele frequency attached by ClinVar (database versions not stated): ExAC 0.00001; gnomAD 0.00001.
gnomAD v4.1: 8 of 1,613,732 alleles (0.0005%); highest among the groups gnomAD compares: Admixed American, 0.012%; no homozygotes.

Submission:

PreventionGenetics, part of Exact Sciences
Classification: Likely benign for PCNT-related condition. Last evaluated: 2022-03-22. Review status: no assertion criteria provided. Collection method: clinical testing. Allele origin: germline.
Comment: This variant is classified as likely benign based on ACMG/AMP sequence variant interpretation guidelines (Richards et al. 2015 PMID: 25741868, with internal and published modifications).

NM_006031.6(PCNT):c.55-4G>T

Genes: PCNT (pericentrin; plus strand), LOC128092249 (uncharacterized LOC128092249; plus strand). Cytogenetic location: 21q22.3.
Variant type: single nucleotide variant.
Coding change: c.55-4G>T on transcript NM_006031.6 (MANE Select); 4 bases into the intron before coding-DNA position 55, G replaced by T.
Molecular consequence: intron variant. On other transcripts: missense variant (1).
Genome position (GRCh38, 1-based): chr21:46,326,373, G>T. VCF-style: chr21-46326373-G-T. GRCh37 (hg19) VCF-style: chr21-47746287-G-T.
Other names: c.86G>T, p.Arg29Leu (NM_001414902.1); c.-300-4G>T (NM_001315529.2); short protein forms R29L.
Identifiers: ClinVar variation 3036344 (VCV003036344.2), dbSNP rs769115662, ClinGen allele CA10078121.